The following is an entry in ClinVar:

ClinVar aggregate classification (germline): Uncertain significance (1 of 4 stars; one submission).

Conditions:
Hereditary breast ovarian cancer syndrome. Also called: Hereditary breast and ovarian cancer; Hereditary breast and ovarian cancer syndrome (HBOC); Breast and ovarian cancer; Hereditary breast and/or ovarian cancer syndrome; Hereditary breast and ovarian cancer syndrome; BRCA1- and BRCA2-Associated Hereditary Breast and Ovarian Cancer. Identifiers: Orphanet 145, MedGen C0677776, MeSH D061325, MONDO:0003582. Disease mechanism: loss of function.

Submission:

Labcorp Genetics (formerly Invitae), Labcorp
Classification: Uncertain significance for Hereditary breast ovarian cancer syndrome. Last evaluated: 2023-08-17. Review status: criteria provided, single submitter. Criteria: Invitae Variant Classification Sherloc (09022015). Collection method: clinical testing. Allele origin: germline.
Comment: In summary, the available evidence is currently insufficient to determine the role of this variant in disease. Therefore, it has been classified as a Variant of Uncertain Significance. Advanced modeling of protein sequence and biophysical properties (such as structural, functional, and spatial information, amino acid conservation, physicochemical variation, residue mobility, and thermodynamic stability) performed at Invitae indicates that this missense variant is not expected to disrupt BRCA2 protein function. This variant has not been reported in the literature in individuals affected with BRCA2-related conditions. This variant is not present in population databases (gnomAD no frequency). This sequence change replaces serine, which is neutral and polar, with proline, which is neutral and non-polar, at codon 2978 of the BRCA2 protein (p.Ser2978Pro).

NM_000059.4(BRCA2):c.8932T>C (p.Ser2978Pro)

Gene: BRCA2 (BRCA2 DNA repair associated; plus strand). Cytogenetic location: 13q13.1.
Variant type: single nucleotide variant.
Coding change: c.8932T>C on transcript NM_000059.4 (MANE Select); coding-DNA position 8932, T replaced by C.
Protein change: p.Ser2978Pro; replaces serine 2978 with proline.
Molecular consequence: missense variant. On other transcripts: non-coding transcript variant (1).
Genome position (GRCh38, 1-based): chr13:32,379,494, T>C. VCF-style: chr13-32379494-T-C. GRCh37 (hg19) VCF-style: chr13-32953631-T-C.
Other names: c.8836T>C, p.Ser2946Pro (NM_001406719.1); c.8932T>C, p.Ser2978Pro (NM_001406720.1); c.4000T>C, p.Ser1334Pro (NM_001406721.1); c.2515T>C, p.Ser839Pro (NM_001406722.1); short protein forms S839P, S2978P, S2946P, S1334P.
Identifiers: ClinVar variation 2982064 (VCV002982064.3), dbSNP rs755154038, ClinGen allele CA247493461.